The following is an entry in ClinVar:

NM_007113.4(TCHH):c.720G>A (p.Glu240=)

Gene: TCHH (trichohyalin; minus strand). Cytogenetic location: 1q21.3.
Variant type: single nucleotide variant.
Coding change: c.720G>A on transcript NM_007113.4 (MANE Select); coding-DNA position 720, G replaced by A.
Protein change: p.Glu240=; no amino-acid change (glutamic acid 240 retained).
Molecular consequence: synonymous variant.
Genome position (GRCh38, 1-based): chr1:152,112,497, C>T on the plus strand (G>A on the coding strand, the complement: TCHH is on the minus strand). VCF-style: chr1-152112497-C-T. GRCh37 (hg19) VCF-style: chr1-152084973-C-T.
Identifiers: ClinVar variation 2639194 (VCV002639194.24), dbSNP rs759617891, ClinGen allele CA1099113.

ClinVar aggregate classification (germline): Likely benign (1 of 4 stars; one submission).

Allele frequency attached by ClinVar (database versions not stated): gnomAD 0.00001; gnomAD exomes 0.00001; TOPMed 0.00001; ExAC 0.00002.
gnomAD v4.1: 11 of 1,613,394 alleles (0.00068%); highest among the groups gnomAD compares: East Asian, 0.0022%; no homozygotes.

Submission:

CeGaT Center for Human Genetics Tuebingen
Classification: Likely benign. Last evaluated: 2023-01-01. Review status: criteria provided, single submitter. Criteria: CeGaT Center For Human Genetics Tuebingen Variant Classification Criteria Version 2. Collection method: clinical testing. Allele origin: germline. Affected: yes. Observed: 1 variant allele.
Comment: TCHH: BP4, BP7